The following is an entry in ClinVar:

ClinVar aggregate classification (germline): Uncertain significance (1 of 4 stars; one submission).

Conditions:
Gorlin syndrome. Also called: Nevoid Basal Cell Carcinoma Syndrome; Basal cell nevus syndrome. Identifiers: Orphanet 377, MedGen C0004779, MONDO:0007187.

gnomAD v4.1: 1 of 1,613,934 alleles (0.000062%); no homozygotes.

Submission:

Labcorp Genetics (formerly Invitae), Labcorp
Classification: Uncertain significance for Gorlin syndrome. Last evaluated: 2026-01-01. Review status: criteria provided, single submitter. Criteria: Invitae Variant Classification Sherloc (09022015). Collection method: clinical testing. Allele origin: germline.
Comment: This sequence change falls in intron 19 of the PTCH2 gene. It does not directly change the encoded amino acid sequence of the PTCH2 protein. It affects a nucleotide within the consensus splice site. This variant is present in population databases (rs762739218, gnomAD 0.01%). This variant has not been reported in the literature in individuals affected with PTCH2-related conditions. Variants that disrupt the consensus splice site are a relatively common cause of aberrant splicing (PMID: 17576681, 9536098). Algorithms developed to predict the effect of sequence changes on RNA splicing suggest that this variant is not likely to affect RNA splicing. In summary, the available evidence is currently insufficient to determine the role of this variant in disease. Therefore, it has been classified as a Variant of Uncertain Significance.

Literature cited by the submitters: PubMed 17576681; PubMed 9536098.

NM_003738.5(PTCH2):c.3114+3G>A

Gene: PTCH2 (patched 2; minus strand). Cytogenetic location: 1p34.1.
Variant type: single nucleotide variant.
Coding change: c.3114+3G>A on transcript NM_003738.5 (MANE Select); 3 bases into the intron after coding-DNA position 3114, G replaced by A.
Molecular consequence: intron variant.
Genome position (GRCh38, 1-based): chr1:44,826,247, C>T on the plus strand (G>A on the coding strand, the complement: PTCH2 is on the minus strand). VCF-style: chr1-44826247-C-T. GRCh37 (hg19) VCF-style: chr1-45291919-C-T.
Other names: c.3114+3G>A (NM_001166292.2).
Identifiers: ClinVar variation 4745738 (VCV004745738.1).
Genomic context (GRCh38, chr1:44,826,247, plus strand): 5'-TGAACAATATGTGTTGAATACTGAATCAGCTGATTGGTCCCTCCCCGGGGTGCCCGTGCT[C>T]ACCAGAGCCACGTGGACTGTGAACTCAACGCCAATGCCTACAGAGGCCACAAGGATCACC-3'